The following is an entry in ClinVar:

ClinVar aggregate classification (germline): Uncertain significance. Review status: criteria provided, multiple submitters, no conflicts (2 of 4 stars). 2 submissions from 2 submitters: Uncertain significance (2). Last evaluated 2021-08-27.

Conditions:
Immunodeficiency, common variable, 2 (CVID2). Also called: ANTIBODY DEFICIENCY DUE TO TACI DEFECT; HYPOGAMMAGLOBULINEMIA DUE TO TACI DEFICIENCY. Identifiers: Orphanet 1572, MedGen C3150354, MONDO:0009413, OMIM 240500.

Allele frequency attached by ClinVar (database versions not stated): 1000 Genomes Project 0.00020; gnomAD 0.00007 and 0.00006; ESP Exome Variant Server 0.00008; TOPMed 0.00005; 1000 Genomes Project 30x 0.00016.
gnomAD v4.1: 59 of 1,611,366 alleles (0.0037%); highest among the groups gnomAD compares: East Asian, 0.025%; no homozygotes.

Submissions (2):

Labcorp Genetics (formerly Invitae), Labcorp
Classification: Uncertain significance for Immunodeficiency, common variable, 2. Last evaluated: 2021-08-27. Review status: criteria provided, single submitter. Criteria: Invitae Variant Classification Sherloc (09022015). Collection method: clinical testing. Allele origin: germline.
Comment: This sequence change replaces alanine with threonine at codon 213 of the TNFRSF13B protein (p.Ala213Thr). The alanine residue is weakly conserved and there is a small physicochemical difference between alanine and threonine. This variant is present in population databases (rs140914723, ExAC 0.03%). This variant has not been reported in the literature in individuals affected with TNFRSF13B-related conditions. Algorithms developed to predict the effect of missense changes on protein structure and function (SIFT, PolyPhen-2, Align-GVGD) all suggest that this variant is likely to be tolerated. In summary, the available evidence is currently insufficient to determine the role of this variant in disease. Therefore, it has been classified as a Variant of Uncertain Significance.

Baylor Genetics
Classification: Uncertain significance for Immunodeficiency, common variable, 2. Last evaluated: 2018-10-31. Review status: criteria provided, single submitter. Criteria: ACMG Guidelines, 2015. Collection method: clinical testing. Allele origin: maternal. Affected: yes.
Comment: This variant was determined to be of uncertain significance according to ACMG Guidelines, 2015 [PMID:25741868].

NM_012452.3(TNFRSF13B):c.637G>A (p.Ala213Thr)

Gene: TNFRSF13B (TNF receptor superfamily member 13B; minus strand). Cytogenetic location: 17p11.2.
Variant type: single nucleotide variant.
Coding change: c.637G>A on transcript NM_012452.3 (MANE Select); coding-DNA position 637, G replaced by A.
Protein change: p.Ala213Thr; replaces alanine 213 with threonine.
Molecular consequence: missense variant.
Genome position (GRCh38, 1-based): chr17:16,939,792, C>T on the plus strand (G>A on the coding strand, the complement: TNFRSF13B is on the minus strand). VCF-style: chr17-16939792-C-T. GRCh37 (hg19) VCF-style: chr17-16843106-C-T.
Other names: short protein forms A213T.
Identifiers: ClinVar variation 1017110 (VCV001017110.3), dbSNP rs140914723, ClinGen allele CA8413897.